The following is an entry in ClinVar:

NM_003803.4(MYOM1):c.3668T>C (p.Leu1223Ser)

Gene: MYOM1 (myomesin 1; minus strand). Cytogenetic location: 18p11.31.
Variant type: single nucleotide variant.
Coding change: c.3668T>C on transcript NM_003803.4 (MANE Select); coding-DNA position 3668, T replaced by C.
Protein change: p.Leu1223Ser; replaces leucine 1223 with serine.
Molecular consequence: missense variant.
Genome position (GRCh38, 1-based): chr18:3,100,334, A>G on the plus strand (T>C on the coding strand, the complement: MYOM1 is on the minus strand). VCF-style: chr18-3100334-A-G. GRCh37 (hg19) VCF-style: chr18-3100332-A-G.
Other names: c.3380T>C, p.Leu1127Ser (NM_019856.2); short protein forms L1127S, L1223S.
Identifiers: ClinVar variation 3401869 (VCV003401869.1).

ClinVar aggregate classification (germline): Uncertain significance (1 of 4 stars; one submission).

Submission:

Ambry Genetics
Classification: Uncertain significance. Last evaluated: 2024-11-17. Review status: criteria provided, single submitter. Criteria: Ambry Variant Classification Scheme 2023. Collection method: clinical testing. Allele origin: germline.
Comment: The p.L1223S variant (also known as c.3668T>C), located in coding exon 23 of the MYOM1 gene, results from a T to C substitution at nucleotide position 3668. The leucine at codon 1223 is replaced by serine, an amino acid with dissimilar properties. This amino acid position is conserved. In addition, this alteration is predicted to be tolerated by in silico analysis. Based on the available evidence, the clinical significance of this variant remains unclear.